The following is an entry in ClinVar:

ClinVar aggregate classification (germline): Conflicting classifications of pathogenicity. Review status: criteria provided, conflicting classifications (1 of 4 stars). 3 submissions from 3 submitters: Likely pathogenic (1); Uncertain significance (1); Likely benign (1). Last evaluated 2025-08-04.

Conditions:
POLG-related disorder. Also called: POLG-related condition; POLG-Related Disorders; POLG-Related Spectrum Disorders. Identifiers: MedGen C4763519.
Progressive sclerosing poliodystrophy (MTDPS4A). Also called: Mitochondrial DNA depletion syndrome 4A (Alpers type); Alpers Syndrome; NEURONAL DEGENERATION OF CHILDHOOD WITH LIVER DISEASE, PROGRESSIVE; ALPERS PROGRESSIVE INFANTILE POLIODYSTROPHY; ALPERS DIFFUSE DEGENERATION OF CEREBRAL GRAY MATTER WITH HEPATIC CIRRHOSIS; Alpers-Huttenlocher Syndrome. Identifiers: Orphanet 726, MedGen C0205710, MONDO:0008758, OMIM 203700.

gnomAD v4.1: 3 of 1,613,690 alleles (0.00019%); highest among the groups gnomAD compares: Non-Finnish European, 0.00017%; no homozygotes.

Submissions (3):

Myriad Genetics, Inc.
Classification: Uncertain significance for POLG-related disorder. Last evaluated: 2025-08-04. Review status: criteria provided, single submitter. Criteria: Myriad Autosomal Dominant, Autosomal Recessive and X-Linked Classification Criteria (2023). Collection method: clinical testing. Allele origin: unknown.
Comment: NM_002693.2(POLG):c.2982-6C>A is an intronic variant classified as a variant of uncertain significance in the context of POLG-related disorders. c.2982-6C>A has not been observed in cases with relevant disease. Relevant functional assessments of this variant are not available in the literature. c.2982-6C>A has not been observed in referenced population frequency databases. In summary, there is insufficient evidence to classify NM_002693.2(POLG):c.2982-6C>A as pathogenic or benign. Please note: this variant was assessed in the context of healthy population screening.

Labcorp Genetics (formerly Invitae), Labcorp
Classification: Likely benign for Progressive sclerosing poliodystrophy. Last evaluated: 2023-02-16. Review status: criteria provided, single submitter. Criteria: Invitae Variant Classification Sherloc (09022015). Collection method: clinical testing. Allele origin: germline.

GeneDx
Classification: Likely pathogenic. Last evaluated: 2014-07-25. Review status: criteria provided, single submitter. Criteria: GeneDx Variant Classification (06012015). Collection method: clinical testing. Allele origin: germline. Affected: yes.
Comment: c.2982-6 C>A: IVS18-6 C>A in intron 18 of the POLG gene (NM_002693.2). The c.2982-6 C>A variant has not been published as a mutation, nor has it been reported as a benign polymorphism to our knowledge. It was not observed in approximately 6,000 individuals of European and African American ancestry in the NHLBI Exome Sequencing Project, indicating it is not a common benign variant in these populations. In silico analysis predicts this variant may damage or destroy the natural splice acceptor site in intron 18 leading to abnormal splicing. However, in the absence of RNA/functional studies, the actual effect of the c.2982-6 C>A sequence change is unknown. Therefore, based on the currently available information, c.2982-6 C>A is a strong candidate for a disease-causing mutation, although the possibility that it is a benign variant cannot be excluded. The variant is found in EPILEPSY panel(s).

NM_002693.3(POLG):c.2982-6C>A

Gene: POLG (DNA polymerase gamma, catalytic subunit; minus strand). Cytogenetic location: 15q26.1.
Variant type: single nucleotide variant.
Coding change: c.2982-6C>A on transcript NM_002693.3 (MANE Select); 6 bases into the intron before coding-DNA position 2982, C replaced by A.
Molecular consequence: intron variant.
Genome position (GRCh38, 1-based): chr15:89,319,356, G>T on the plus strand (C>A on the coding strand, the complement: POLG is on the minus strand). VCF-style: chr15-89319356-G-T. GRCh37 (hg19) VCF-style: chr15-89862587-G-T.
Other names: c.2982-6C>A (NM_001126131.2).
Identifiers: ClinVar variation 206542 (VCV000206542.6), dbSNP rs796052892, ClinGen allele CA316729.
Genomic context (GRCh38, chr15:89,319,356, plus strand): 5'-CACTGGGAGGTTCAACTCCCTCACCAGCCACTCGCCCTCATCCGACAGCCGATACCTGGG[G>T]GCAGTGTTATCACCATCATTCCACGGGAGTGCTTCCTGTGCCACGCTAGTGCCTTGGCAA-3'